The following is an entry in ClinVar:

NM_004260.4(RECQL4):c.1845C>A (p.His615Gln)

Gene: RECQL4 (RecQ like helicase 4; minus strand). Cytogenetic location: 8q24.3.
Variant type: single nucleotide variant.
Coding change: c.1845C>A on transcript NM_004260.4 (MANE Select); coding-DNA position 1845, C replaced by A.
Protein change: p.His615Gln; replaces histidine 615 with glutamine.
Molecular consequence: missense variant.
Genome position (GRCh38, 1-based): chr8:144,514,222, G>T on the plus strand (C>A on the coding strand, the complement: RECQL4 is on the minus strand). VCF-style: chr8-144514222-G-T. GRCh37 (hg19) VCF-style: chr8-145739606-G-T.
Other names: c.1749C>A, p.His583Gln (NM_001413017.1, NM_001413020.1); c.1845C>A, p.His615Gln (NM_001413018.1, NM_001413019.1, NM_001413036.1); c.774C>A, p.His258Gln (NM_001413021.1, NM_001413022.1, NM_001413023.1 and 6 more transcripts); c.1716C>A, p.His572Gln (NM_001413025.1); c.708C>A, p.His236Gln (NM_001413027.1, NM_001413030.1, NM_001413032.1 and 1 more transcripts); c.1494C>A, p.His498Gln (NM_001413029.1); c.576C>A, p.His192Gln (NM_001413031.1); c.1713C>A, p.His571Gln (NM_001413033.1); and 4 more; short protein forms H214Q, H571Q, H605Q, H248Q, H258Q, H572Q, H583Q, H615Q.
Identifiers: ClinVar variation 2193456 (VCV002193456.4), dbSNP rs2538038066, ClinGen allele CA372680663.

ClinVar aggregate classification (germline): Uncertain significance (1 of 4 stars; one submission).

Conditions:
Baller-Gerold syndrome (BGS). Also called: CRANIOSYNOSTOSIS WITH RADIAL DEFECTS. Identifiers: Orphanet 1225, MedGen C0265308, MONDO:0009039, OMIM 218600.

Submission:

Labcorp Genetics (formerly Invitae), Labcorp
Classification: Uncertain significance for Baller-Gerold syndrome. Last evaluated: 2022-07-16. Review status: criteria provided, single submitter. Criteria: Invitae Variant Classification Sherloc (09022015). Collection method: clinical testing. Allele origin: germline.
Comment: In summary, the available evidence is currently insufficient to determine the role of this variant in disease. Therefore, it has been classified as a Variant of Uncertain Significance. Experimental studies and prediction algorithms are not available or were not evaluated, and the functional significance of this variant is currently unknown. This variant has not been reported in the literature in individuals affected with RECQL4-related conditions. This variant is not present in population databases (gnomAD no frequency). This sequence change replaces histidine, which is basic and polar, with glutamine, which is neutral and polar, at codon 615 of the RECQL4 protein (p.His615Gln).